The following is an entry in ClinVar:

ClinVar aggregate classification (germline): Uncertain significance (1 of 4 stars; one submission).

Submission:

Labcorp Genetics (formerly Invitae), Labcorp
Classification: Uncertain significance. Last evaluated: 2022-03-29. Review status: criteria provided, single submitter. Criteria: Invitae Variant Classification Sherloc (09022015). Collection method: clinical testing. Allele origin: germline.
Comment: In summary, the available evidence is currently insufficient to determine the role of this variant in disease. Therefore, it has been classified as a Variant of Uncertain Significance. Algorithms developed to predict the effect of sequence changes on RNA splicing suggest that this variant may disrupt the consensus splice site. This variant has not been reported in the literature in individuals affected with CLCN6-related conditions. This variant is not present in population databases (gnomAD no frequency). This sequence change falls in intron 14 of the CLCN6 gene. It does not directly change the encoded amino acid sequence of the CLCN6 protein.

NM_001286.5(CLCN6):c.1373-6T>G

Gene: CLCN6 (chloride voltage-gated channel 6; plus strand). Cytogenetic location: 1p36.22.
Variant type: single nucleotide variant.
Coding change: c.1373-6T>G on transcript NM_001286.5 (MANE Select); 6 bases into the intron before coding-DNA position 1373, T replaced by G.
Molecular consequence: intron variant.
Genome position (GRCh38, 1-based): chr1:11,833,871, T>G. VCF-style: chr1-11833871-T-G. GRCh37 (hg19) VCF-style: chr1-11893928-T-G.
Other names: c.1307-6T>G (NM_001256959.2).
Identifiers: ClinVar variation 1977815 (VCV001977815.5), dbSNP rs1644910043, ClinGen allele CA2580061161.
Genomic context (GRCh38, chr1:11,833,871, plus strand): 5'-CCGGTAGGTCTACTGGGCCTTGGCAGGCATCCGGTAGTGGGACTCAGGTTGGCTCTTCCC[T>G]TGCAGGTACTTTCAGCCCCGTCACTCTGGCCTTGTTCTTCGTTCTCTATTTCTTGCTTGC-3'